The following is an entry in ClinVar:

NM_004415.4(DSP):c.5822_5827del (p.Lys1941_Leu1942del)

Gene: DSP (desmoplakin; plus strand). Cytogenetic location: 6p24.3.
Variant type: Deletion.
Coding change: c.5822_5827del on transcript NM_004415.4 (MANE Select); coding-DNA positions 5822 to 5827, 6 bases deleted (AACTCA; older notation c.5822_5827delAACTCA).
Protein change: p.Lys1941_Leu1942del.
Genome position (GRCh38, 1-based): chr6:7,583,084-7,583,089, AACTCA deleted; deleting any 6 consecutive bases within chr6:7,583,083-7,583,089 gives the same sequence; the c. name uses the placement nearest the transcript's 3' end. VCF-style (leftmost placement, unchanged base first): chr6-7583082-TAAACTC-T. GRCh37 (hg19) VCF-style: chr6-7583315-TAAACTC-T.
Other names: c.4025_4030del, p.Lys1342_Leu1343del (NM_001008844.3); c.4493_4498del, p.Lys1498_Leu1499del (NM_001319034.2).
Identifiers: ClinVar variation 4756472 (VCV004756472.1).

ClinVar aggregate classification (germline): Uncertain significance (1 of 4 stars; one submission).

Conditions:
Cardiomyopathy (CMYO). Also called: Cardiomyopathies. Identifiers: Orphanet 167848, MedGen C0878544, MONDO:0004994, HP:0001638. Inheritance: Various modes of inheritance.

Submission:

Color Diagnostics, LLC DBA Color Health
Classification: Uncertain significance for Cardiomyopathy. Last evaluated: 2025-09-13. Review status: criteria provided, single submitter. Criteria: ACMG Guidelines, 2015. Collection method: clinical testing. Allele origin: germline.
Comment: This variant results in the in-frame deletion of two amino acids at codons 1941 and 1942 in the DSP protein. To our knowledge, functional studies have not been reported for this variant. This variant has not been reported in individuals affected with DSP-related disorders in the literature. This variant has been identified in 1/250504 chromosomes in the general population by the Genome Aggregation Database (gnomAD). The available evidence is insufficient to determine the role of this variant in disease conclusively. Therefore, this variant is classified as a Variant of Uncertain Significance.